The following is an entry in ClinVar:

ClinVar aggregate classification (germline): Pathogenic/Likely pathogenic. Review status: criteria provided, multiple submitters, no conflicts (2 of 4 stars). 6 submissions from 6 submitters: Pathogenic (4); Likely pathogenic (2). Last evaluated 2025-01-14.

Conditions:
MSH6-related disorder. Also called: MSH6-related condition; MSH6-Related disorders.
Hereditary cancer-predisposing syndrome. Also called: Tumor predisposition; Neoplastic Syndromes, Hereditary; Hereditary neoplastic syndrome; Hereditary Cancer Syndrome. Identifiers: Orphanet 140162, MedGen C0027672, MeSH D009386, MONDO:0015356.
Hereditary nonpolyposis colorectal neoplasms. Identifiers: MedGen C0009405, MeSH D003123.
Lynch syndrome 5 (LYNCH5). Also called: Hereditary non-polyposis colorectal cancer, type 5; Colorectal cancer, hereditary nonpolyposis, type 5. Identifiers: Orphanet 144, MedGen C1833477, MONDO:0013710, OMIM 614350. Disease mechanism: loss of function.

Submissions (6):

Institute for Genomic Medicine (IGM) Clinical Laboratory, Nationwide Children's Hospital
Classification: Likely pathogenic for Hereditary cancer-predisposing syndrome. Last evaluated: 2025-01-14. Review status: criteria provided, single submitter. Criteria: ACMG Guidelines, 2015. Collection method: clinical testing. Allele origin: germline.
Comment: This variant is predicted to result in loss of function through nonsense-mediated decay of the encoded transcript or premature truncation of the encoded protein in a gene in which loss of function is a known mechanism of disease (ACMG/AMP: PVS1; PMIDs:18269114, 24362816). This variant is absent from or present at an exceedingly low frequency in gnomAD, a large-scale control population database (ACMG/AMP: PM2).

Ambry Genetics
Classification: Pathogenic for Hereditary cancer-predisposing syndrome. Last evaluated: 2024-08-08. Review status: criteria provided, single submitter. Criteria: Ambry Variant Classification Scheme 2023. Collection method: clinical testing. Allele origin: germline.
Comment: The p.Y1044* pathogenic mutation (also known as c.3132C>G), located in coding exon 4 of the MSH6 gene, results from a C to G substitution at nucleotide position 3132. This changes the amino acid from a tyrosine to a stop codon within coding exon 4. This alteration is expected to result in loss of function by premature protein truncation or nonsense-mediated mRNA decay. As such, this alteration is interpreted as a disease-causing mutation.

Myriad Genetics, Inc.
Classification: Pathogenic for Lynch syndrome 5. Last evaluated: 2023-08-22. Review status: criteria provided, single submitter. Criteria: Myriad Autosomal Dominant, Autosomal Recessive and X-Linked Classification Criteria (2023). Collection method: clinical testing. Allele origin: unknown.
Comment: This variant is considered pathogenic. This variant creates a termination codon and is predicted to result in premature protein truncation.

Labcorp Genetics (formerly Invitae), Labcorp
Classification: Pathogenic for Hereditary nonpolyposis colorectal neoplasms. Last evaluated: 2021-11-29. Review status: criteria provided, single submitter. Criteria: Invitae Variant Classification Sherloc (09022015). Collection method: clinical testing. Allele origin: germline.
Comment: This sequence change creates a premature translational stop signal (p.Tyr1044*) in the MSH6 gene. It is expected to result in an absent or disrupted protein product. Loss-of-function variants in MSH6 are known to be pathogenic (PMID: 18269114, 24362816). This variant is not present in population databases (gnomAD no frequency). This variant has not been reported in the literature in individuals affected with MSH6-related conditions. ClinVar contains an entry for this variant (Variation ID: 927011). Algorithms developed to predict the effect of sequence changes on RNA splicing suggest that this variant may create or strengthen a splice site. For these reasons, this variant has been classified as Pathogenic.

Color Diagnostics, LLC DBA Color Health
Classification: Pathogenic for Hereditary cancer-predisposing syndrome. Last evaluated: 2020-01-15. Review status: criteria provided, single submitter. Criteria: ACMG Guidelines, 2015. Collection method: clinical testing. Allele origin: germline.
Comment: This variant changes 1 nucleotide in exon 4 of the MSH6 gene, creating a premature translation stop signal. This variant is expected to result in an absent or non-functional protein product. This variant has not been identified in the general population by the Genome Aggregation Database (gnomAD). Loss of MSH6 function is a known mechanism of disease. Based on the available evidence, this variant is classified as Pathogenic.

Blueprint Genetics
Classification: Likely pathogenic for MSH6-related disorders. Last evaluated: 2019-12-13. Review status: criteria provided, single submitter. Criteria: ACMG Guidelines, 2015. Collection method: clinical testing. Allele origin: germline. Affected: yes. Observed: 2 variant alleles.

Literature cited by the submitters: PubMed 18269114 (cited by Institute for Genomic Medicine (IGM) Clinical Laboratory, Nationwide Children's Hospital and Labcorp Genetics (formerly Invitae), Labcorp); PubMed 24362816 (cited by Institute for Genomic Medicine (IGM) Clinical Laboratory, Nationwide Children's Hospital and Labcorp Genetics (formerly Invitae), Labcorp).

NM_000179.3(MSH6):c.3132C>G (p.Tyr1044Ter)

Gene: MSH6 (mutS homolog 6; plus strand). Cytogenetic location: 2p16.3.
Variant type: single nucleotide variant.
Coding change: c.3132C>G on transcript NM_000179.3 (MANE Select); coding-DNA position 3132, C replaced by G.
Protein change: p.Tyr1044Ter; replaces tyrosine 1044 with a stop codon.
Molecular consequence: nonsense.
Genome position (GRCh38, 1-based): chr2:47,801,115, C>G. VCF-style: chr2-47801115-C-G. GRCh37 (hg19) VCF-style: chr2-48028254-C-G.
Other names: c.2742C>G, p.Tyr914Ter (NM_001281492.2); c.2226C>G, p.Tyr742Ter (NM_001281493.2, NM_001281494.2); short protein forms Y1044*, Y742*, Y914*.
Identifiers: ClinVar variation 927011 (VCV000927011.15), dbSNP rs1669552731, ClinGen allele CA346756668.